The following is an entry in ClinVar:

NM_000038.6(APC):c.4019_4020dup (p.Ser1341fs)

Gene: APC (APC regulator of Wnt signaling pathway; plus strand). Cytogenetic location: 5q22.2.
Variant type: Duplication.
Coding change: c.4019_4020dup on transcript NM_000038.6 (MANE Select); coding-DNA positions 4019 to 4020, 2 bases duplicated (CT; older notation c.4019_4020dupCT).
Protein change: p.Ser1341fs; shifts the reading frame from serine 1341.
Molecular consequence: frameshift variant. On other transcripts: non-coding transcript variant (2).
Genome position (GRCh38, 1-based): chr5:112,839,613-112,839,614, CT duplicated; duplicating any 2 consecutive bases within chr5:112,839,612-112,839,614 gives the same sequence; the c. name uses the placement nearest the transcript's 3' end. VCF-style (leftmost placement, unchanged base first): chr5-112839611-T-TTC. GRCh37 (hg19) VCF-style: chr5-112175308-T-TTC.
Other names: c.4019_4020dup, p.Ser1341fs (NM_001127510.3, NM_001354895.2, NM_001407450.1); c.3965_3966dup, p.Ser1323fs (NM_001127511.3); c.4073_4074dup, p.Ser1359fs (NM_001354896.2, NM_001407447.1, NM_001407448.1 and 1 more transcripts); c.4049_4050dup, p.Ser1351fs (NM_001354897.2); c.3944_3945dup, p.Ser1316fs (NM_001354898.2); c.3935_3936dup, p.Ser1313fs (NM_001354899.2); c.3896_3897dup, p.Ser1300fs (NM_001354900.2); c.3842_3843dup, p.Ser1282fs (NM_001354901.2, NM_001407453.1); and 11 more; short protein forms S1181fs, S1258fs, S1351fs, S1215fs, S1300fs, S1316fs, S1058fs, S1240fs.
Identifiers: ClinVar variation 2825108 (VCV002825108.3), dbSNP rs2533542220, ClinGen allele CA2739273273.
Genomic context (GRCh38, chr5:112,839,611, plus strand): 5'-TGTGAGCGAAGTTCCAGCAGTGTCACAGCACCCTAGAACCAAATCCAGCAGACTGCAGGG[T>TTC]TCTAGTTTATCTTCAGAATCAGCCAGGCACAAAGCTGTTGAATTTTCTTCAGGAGCGAAA-3'

ClinVar aggregate classification (germline): Pathogenic (1 of 4 stars; one submission).

Conditions:
Familial adenomatous polyposis 1 (FAP1). Also called: POLYPOSIS, ADENOMATOUS INTESTINAL; FAMILIAL ADENOMATOUS POLYPOSIS 1, ATTENUATED. Identifiers: MedGen C2713442, MONDO:0021056, OMIM 175100. Disease mechanism: loss of function.

Submission:

Labcorp Genetics (formerly Invitae), Labcorp
Classification: Pathogenic for Familial adenomatous polyposis 1. Last evaluated: 2022-12-30. Review status: criteria provided, single submitter. Criteria: Invitae Variant Classification Sherloc (09022015). Collection method: clinical testing. Allele origin: germline.
Comment: For these reasons, this variant has been classified as Pathogenic. A different truncation (p.Tyr2645Lysfs*14) that lies downstream of this variant has been determined to be pathogenic (PMID: 9824584, 1316610, 27081525, 8381579, 22135120, Invitae). This suggests that deletion of this region of the APC protein is causative of disease. This variant is expected to disrupt the EB1 and HDLG binding sites, which mediate interactions with the cytoskeleton (PMID: 15311282, 17293347). While functional studies have not been performed to directly test the effect on APC protein function, this suggests that disruption of the C-terminal portion of the protein is functionally important. This variant has not been reported in the literature in individuals affected with APC-related conditions. This variant is not present in population databases (gnomAD no frequency). This sequence change creates a premature translational stop signal (p.Ser1341Leufs*75) in the APC gene. While this is not anticipated to result in nonsense mediated decay, it is expected to disrupt the last 1503 amino acid(s) of the APC protein.

Literature cited by the submitters: PubMed 9824584; PubMed 1316610; PubMed 27081525; PubMed 8381579; PubMed 22135120; PubMed 15311282; PubMed 17293347.